The following is an entry in ClinVar:

ClinVar aggregate classification (germline): Pathogenic. Review status: criteria provided, multiple submitters, no conflicts (2 of 4 stars). 14 submissions from 14 submitters: Pathogenic (12). 2 of the submissions do not count toward it. Last evaluated 2025-12-18.

Conditions:
SLC26A4-related disorder. Also called: SLC26A4-related condition; SLC26A4-related disorders.
Autosomal recessive nonsyndromic hearing loss 4 (DFNB4). Also called: FOXI1-Related Pendred Syndrome; KCNJ10-Related Pendred Syndrome; Enlarged vestibular aqueduct, digenic; Deafness, autosomal recessive 4; DEAFNESS, AUTOSOMAL RECESSIVE 4, WITH ENLARGED VESTIBULAR AQUEDUCT, DIGENIC; Nonsyndromic enlarged vestibular aqueduct (NSEVA). Identifiers: Orphanet 90636, MedGen C3538946, MONDO:0010933, OMIM 600791.
Pendred syndrome (PDS). Also called: THYROID DYSHORMONOGENESIS 2B; THYROID HORMONOGENESIS, GENETIC DEFECT IN, 2B; Pendred's syndrome; Pendred Syndrome (PDS); DEAFNESS WITH GOITER; GOITER-DEAFNESS SYNDROME. Identifiers: Orphanet 705, MedGen C0271829, MONDO:0010134, OMIM 274600.

Allele frequency attached by ClinVar (database versions not stated): gnomAD exomes below 0.00001; TOPMed 0.00002; 1000 Genomes Project 0.00020; gnomAD 0.00001; 1000 Genomes Project 30x 0.00031; ExAC 0.00001.
gnomAD v4.1: 6 of 1,612,002 alleles (0.00037%); highest among the groups gnomAD compares: East Asian, 0.013%; no homozygotes.

Submissions (14):

PreventionGenetics, part of Exact Sciences
Classification: Pathogenic for SLC26A4-related condition. Last evaluated: 2025-12-18. Review status: criteria provided, single submitter. Criteria: ACMG Guidelines, 2015. Collection method: clinical testing. Allele origin: germline.
Comment: The SLC26A4 c.1174A>T variant is predicted to result in the amino acid substitution p.Asn392Tyr. This variant has been reported in the homozygous state or with a second SLC26A4 variant in individuals with SLC26A4-related disorders (see, for example: Park et al. 2003. PubMed ID: 12676893; Huang et al. 2011. PubMed ID: 21961810; Luo et al. 2017. PubMed ID: 28786104). In vitro experimental studies indicate this variant impacts protein function (Ishihara et al. 2010. PubMed ID: 20826203; Wasano et al. 2019. PubMed ID: 31599023). This variant is reported in 0.0054% of alleles in individuals of East Asian descent in gnomAD. This variant is interpreted as pathogenic.

Genetics Research Center, University of Social Welfare and Rehabilitation Sciences
Classification: Pathogenic for Autosomal recessive nonsyndromic hearing loss 4. Last evaluated: 2025-12-09. Review status: criteria provided, single submitter. Criteria: ACMG Guidelines, 2015. Collection method: research. Allele origin: germline. Affected: yes.
Comment: The variant is present at a very low frequency in the gnomAD v2.1.1 dataset (allele frequency: 0.0004%) and has been reported in individual(s) affected with SLC26A4-related hearing loss (PMID:35804348, 37477685, 30086623, 32645618, 37528592, 38563166, 28786104, 31656273, 23185506, 23151025, 28541280, 27176802, 21961810, 25372295, 27247933, 2779275, 30973918, 22384008, 28505178, 28225033, 31541171, 27997596, 27627659, 31992338, 19744334, 27018795). Studies have demonstrated that this missense variant impairs the normal function of SLC26A4 (PMID: 20826203).

Labcorp Genetics (formerly Invitae), Labcorp
Classification: Pathogenic. Last evaluated: 2025-07-30. Review status: criteria provided, single submitter. Criteria: Invitae Variant Classification Sherloc (09022015). Collection method: clinical testing. Allele origin: germline.
Comment: This sequence change replaces asparagine, which is neutral and polar, with tyrosine, which is neutral and polar, at codon 392 of the SLC26A4 protein (p.Asn392Tyr). This variant is present in population databases (rs201562855, gnomAD 0.006%). This missense change has been observed in individual(s) with nonsyndromic hearing loss and enlargement of the vestibular aqueduct (PMID: 17718863, 19786220, 21961810). In at least one individual the data is consistent with being in trans (on the opposite chromosome) from a pathogenic variant. ClinVar contains an entry for this variant (Variation ID: 446453). Invitae Evidence Modeling of protein sequence and biophysical properties (such as structural, functional, and spatial information, amino acid conservation, physicochemical variation, residue mobility, and thermodynamic stability) indicates that this missense variant is expected to disrupt SLC26A4 protein function with a positive predictive value of 95%. Experimental studies have shown that this missense change affects SLC26A4 function (PMID: 20826203). For these reasons, this variant has been classified as Pathogenic.

Natera, Inc.
Classification: Pathogenic for Pendred syndrome. Last evaluated: 2025-04-29. Review status: criteria provided, single submitter. Criteria: Natera Variant Classification Schema (03/2026). Collection method: clinical testing. Allele origin: germline.
Comment: The c.1174A>T variant in SLC26A4 is a missense variant predicted to cause substitution of asparagine to tyrosine at amino acid 392. This variant is rare in the general population with a frequency below the threshold expected for the associated phenotype(s). This variant has been observed in one or more individuals affected with the associated recessive disease, as either homozygous or compound heterozygous with a second variant (PMID: 25015771, 31427586, 21961810). Computational prediction algorithms indicate this variant is likely to affect gene or protein function. Given the available evidence, this variant is classified as Pathogenic.

Fulgent Genetics
Classification: Pathogenic for Pendred syndrome; Autosomal recessive nonsyndromic hearing loss 4. Last evaluated: 2024-03-02. Review status: criteria provided, single submitter. Criteria: ACMG Guidelines, 2015. Collection method: clinical testing. Allele origin: germline.

Baylor Genetics
Classification: Pathogenic for Autosomal recessive nonsyndromic hearing loss 4. Last evaluated: 2024-02-29. Review status: criteria provided, single submitter. Criteria: ACMG Guidelines, 2015. Collection method: clinical testing. Allele origin: unknown.

Genome-Nilou Lab
Classification: Pathogenic for Autosomal recessive nonsyndromic hearing loss 4. Last evaluated: 2021-09-05. Review status: criteria provided, single submitter. Criteria: ACMG Guidelines, 2015. Collection method: clinical testing. Allele origin: germline. Affected: no.

Blueprint Genetics
Classification: Pathogenic for SLC26A4-related disorders. Last evaluated: 2020-12-21. Review status: criteria provided, single submitter. Criteria: ACMG Guidelines, 2015. Collection method: clinical testing. Allele origin: germline. Affected: yes. Observed: 2 variant alleles.

GeneDx
Classification: Pathogenic. Last evaluated: 2018-05-10. Review status: criteria provided, single submitter. Criteria: GeneDx Variant Classification (06012015). Collection method: clinical testing. Allele origin: germline. Affected: yes.
Comment: The N392Y missense variant has been previously reported in both the homozygous and compound heterozygous state in association with SLC26A4-related disorders (Huang et al., 2011; Luo et al., 2017; Reyes et al., 2009). Functional studies report that N392Y resulted in the change of intracellular localization of the protein and the loss of anion transporter activity (Ishihara et al., 2010). The variant is not observed at a significant frequency in large population cohorts (Lek et al., 2016). The variant is a semi-conservative amino acid substitution, which may impact secondary protein structure as these residues differ in some properties. In-silico analyses, including protein predictors and evolutionary conservation, support a deleterious effect. In summary, we consider this to be a pathogenic variant.

Division of Hearing and Balance Research, National Hospital Organization Tokyo Medical Center
Classification: Pathogenic for Autosomal recessive nonsyndromic hearing loss 4. Last evaluated: 2017-07-01. Review status: criteria provided, single submitter. Criteria: Submitter's publication. Collection method: clinical testing. Allele origin: germline. Affected: yes. Observed: 1 variant allele.

Juno Genomics, Hangzhou Juno Genomics, Inc
Classification: Pathogenic for Autosomal recessive nonsyndromic hearing loss 4; Pendred syndrome. Review status: criteria provided, single submitter. Criteria: ACMG Guidelines, 2015. Collection method: clinical testing. Allele origin: germline. Affected: yes.
Comment: For recessive disorders, detected in trans with a pathogenic variant.;Patient's phenotype or family history is highly specific for a disease with a single genetic etiology.;Multiple lines of computational evidence support a deleterious effect on the gene or gene product (conservation, evolutionary, splicing impact, etc).

Kariminejad - Najmabadi Pathology & Genetics Center
Classification: Pathogenic for Pendred syndrome. Review status: criteria provided, single submitter. Criteria: ACMG Guidelines, 2015. Collection method: clinical testing. Allele origin: germline. Affected: no.

National Institute of Sensory Organs, National Hospital Organization Tokyo Medical Center
Classification: Affects for Autosomal recessive nonsyndromic hearing loss 4. Last evaluated: 2019-08-20. Review status: no assertion criteria provided. Collection method: clinical testing, in vitro. Allele origin: inherited, germline. Inheritance: Autosomal recessive inheritance. Affected: yes. Functional consequence: loss_of_function_variant. Not counted in ClinVar's aggregate classification.
Comment: in vitro experiment

Genetic Testing Center for Deafness, Department of Otolaryngology Head & Neck Surgery, Institute of Otolaryngology, Chinese PLA General Hospital
Classification: Likely pathogenic for Autosomal recessive nonsyndromic hearing loss 4. Last evaluated: 2019-02-26. Review status: no assertion criteria provided. Collection method: case-control. Allele origin: inherited. Affected: yes. Observed: 2 variant alleles. Not counted in ClinVar's aggregate classification.

Literature cited by the submitters: PubMed 35804348 (cited by Genetics Research Center, University of Social Welfare and Rehabilitation Sciences); PubMed 37477685 (cited by Genetics Research Center, University of Social Welfare and Rehabilitation Sciences); PubMed 30086623 (cited by Genetics Research Center, University of Social Welfare and Rehabilitation Sciences and National Institute of Sensory Organs, National Hospital Organization Tokyo Medical Center); PubMed 32645618 (cited by Genetics Research Center, University of Social Welfare and Rehabilitation Sciences); PubMed 37528592 (cited by Genetics Research Center, University of Social Welfare and Rehabilitation Sciences).

NM_000441.2(SLC26A4):c.1174A>T (p.Asn392Tyr)

Gene: SLC26A4 (solute carrier family 26 member 4; plus strand). Cytogenetic location: 7q22.3.
Variant type: single nucleotide variant.
Coding change: c.1174A>T on transcript NM_000441.2 (MANE Select); coding-DNA position 1174, A replaced by T.
Protein change: p.Asn392Tyr; replaces asparagine 392 with tyrosine.
Molecular consequence: missense variant.
Genome position (GRCh38, 1-based): chr7:107,690,148, A>T. VCF-style: chr7-107690148-A-T. GRCh37 (hg19) VCF-style: chr7-107330593-A-T.
Other names: short protein forms N392Y.
Identifiers: ClinVar variation 446453 (VCV000446453.31), dbSNP rs201562855, ClinGen allele CA4432714.
Genomic context (GRCh38, chr7:107,690,148, plus strand): 5'-ATTTGTAGGATCGTTGTCATCCAGTCTCTTCCTTAGGAATTCATTGCCTTTGGGATCAGC[A>T]ACATCTTCTCAGGATTCTTCTCTTGTTTTGTGGCCACCACTGCTCTTTCCCGCACGGCCG-3'
Protein context (NP_000432.1, residues 382-402): NQEFIAFGIS[Asn392Tyr]IFSGFFSCFV